The following is an entry in ClinVar:

ClinVar aggregate classification (germline): Uncertain significance. Review status: criteria provided, multiple submitters, no conflicts (2 of 4 stars). 3 submissions from 3 submitters: Uncertain significance (3). Last evaluated 2026-05-19.

Conditions:
MASA syndrome. Also called: ADDUCTED THUMB WITH MENTAL RETARDATION; CLASPED THUMB AND MENTAL RETARDATION; GAREIS-MASON SYNDROME; MENTAL RETARDATION, APHASIA, SHUFFLING GAIT, AND ADDUCTED THUMBS; SPASTIC PARAPLEGIA 1, X-LINKED; MASA Syndrome (Mental Retardation, Adducted Thumbs, Shuffling Gait, and Aphasia). Identifiers: Orphanet 2466, MedGen C0795953, MONDO:0010559, OMIM 303350.
X-linked complicated corpus callosum dysgenesis. Also called: X-Linked Complicated Corpus Callosum Agenesis. Identifiers: Orphanet 1497, MedGen C1839909, MONDO:0010569, OMIM 304100.
X-linked hydrocephalus syndrome (HYCX). Also called: AQUEDUCTAL STENOSIS, X-LINKED; X-Linked Hydrocephalus with Stenosis of the Aqueduct of Sylvius; X-linked hydrocephalus; HYDROCEPHALUS, CONGENITAL, X-LINKED; X-Linked Hydrocephalus with Stenosis of the Aqueduct of Sylvius (HSAS). Identifiers: Orphanet 2182, MedGen C0265216, MONDO:0010611, OMIM 307000.
Inborn genetic diseases. Identifiers: MedGen C0950123, MeSH D030342.

gnomAD v4.1: 7 of 1,212,129 alleles (0.00058%); highest among the groups gnomAD compares: Non-Finnish European, 0.00078%; no homozygotes.

Submissions (3):

Ambry Genetics
Classification: Uncertain significance for Inborn genetic diseases. Last evaluated: 2026-05-19. Review status: criteria provided, single submitter. Criteria: Ambry Variant Classification Scheme 2023. Collection method: clinical testing. Allele origin: germline.

Women's Health and Genetics/Laboratory Corporation of America, LabCorp
Classification: Uncertain significance. Last evaluated: 2025-03-18. Review status: criteria provided, single submitter. Criteria: LabCorp Variant Classification Summary - May 2015. Collection method: clinical testing. Allele origin: germline.
Comment: Variant summary: L1CAM c.913G>A (p.Glu305Lys) results in a conservative amino acid change in the encoded protein sequence. Four of five in-silico tools predict a benign effect of the variant on protein function. The variant was absent in 183141 control chromosomes. The available data on variant occurrences in the general population are insufficient to allow any conclusion about variant significance. To our knowledge, no occurrence of c.913G>A in individuals affected with L1 Syndrome and no experimental evidence demonstrating its impact on protein function have been reported. No submitters have cited clinical-significance assessments for this variant to ClinVar. Based on the evidence outlined above, the variant was classified as uncertain significance.

Department of Pathology and Laboratory Medicine, Sinai Health System
Classification: Uncertain significance for MASA syndrome; X-linked complicated corpus callosum dysgenesis; X-linked hydrocephalus syndrome. Last evaluated: 2022-01-21. Review status: criteria provided, single submitter. Criteria: ACMG Guidelines, 2015. Collection method: research. Allele origin: germline.

NM_001278116.2(L1CAM):c.913G>A (p.Glu305Lys)

Gene: L1CAM (L1 cell adhesion molecule; minus strand). Cytogenetic location: Xq28.
Variant type: single nucleotide variant.
Coding change: c.913G>A on transcript NM_001278116.2 (MANE Select); coding-DNA position 913, G replaced by A.
Protein change: p.Glu305Lys; replaces glutamic acid 305 with lysine.
Molecular consequence: missense variant.
Genome position (GRCh38, 1-based): chrX:153,870,134, C>T on the plus strand (G>A on the coding strand, the complement: L1CAM is on the minus strand). VCF-style: chrX-153870134-C-T. GRCh37 (hg19) VCF-style: chrX-153135589-C-T.
Other names: c.913G>A (NM_000425.3); c.913G>A, p.Glu305Lys (NM_000425.5, NM_024003.3); c.898G>A, p.Glu300Lys (NM_001143963.2); short protein forms E300K, E305K.
Identifiers: ClinVar variation 3891546 (VCV003891546.3).
Genomic context (GRCh38, chrX:153,870,134, plus strand): 5'-ACGCATGCCGGGCACTGCCCAGTGAGTTCTCGGCCAGGCAGCGGTACTCGCCATCATCCT[C>T]CTCGCCCACTTTCAGCAGCTGCAGGGTCTTGTTGTGGTTCTGGTAGGTGACACGGTCGGC-3'
Protein context (NP_001265045.1, residues 295-315): KTLQLLKVGE[Glu305Lys]DDGEYRCLAE